The following is an entry in ClinVar:

ClinVar aggregate classification (germline): Pathogenic/Likely pathogenic. Review status: criteria provided, multiple submitters, no conflicts (2 of 4 stars). 3 submissions from 3 submitters: Pathogenic (2); Likely pathogenic (1). Last evaluated 2025-05-14.

Conditions:
Neurofibromatosis, type 1 (NF1). Also called: Peripheral type neurofibromatosis; VON RECKLINGHAUSEN DISEASE; NEUROFIBROMATOSIS, TYPE I, SOMATIC; Neurofibromatosis, type I. Identifiers: Orphanet 636, MedGen C0027831, MONDO:0018975, OMIM 162200. Disease mechanism: loss of function.
Cardiovascular phenotype. Identifiers: MedGen CN230736.
Hereditary cancer-predisposing syndrome. Also called: Tumor predisposition; Hereditary Cancer Syndrome; Hereditary neoplastic syndrome; Neoplastic Syndromes, Hereditary. Identifiers: Orphanet 140162, MedGen C0027672, MeSH D009386, MONDO:0015356.
Juvenile myelomonocytic leukemia (JMML). Also called: LEUKEMIA, JUVENILE MYELOMONOCYTIC, SOMATIC. Identifiers: Orphanet 86834, MedGen C0349639, MONDO:0011908, OMIM 607785, HP:0012209.

Submissions (3):

Ambry Genetics
Classification: Pathogenic for Cardiovascular phenotype; Hereditary cancer-predisposing syndrome. Last evaluated: 2025-05-14. Review status: criteria provided, single submitter. Criteria: Ambry Variant Classification Scheme 2023. Collection method: clinical testing. Allele origin: germline.
Comment: The c.3682delG pathogenic mutation, located in coding exon 27 of the NF1 gene, results from a deletion of one nucleotide at nucleotide position 3682, causing a translational frameshift with a predicted alternate stop codon (p.A1228Pfs*12). This variant was reported in individual(s) with features consistent with NF1 (Ambry internal data). This variant is considered to be rare based on population cohorts in the Genome Aggregation Database (gnomAD). This alteration is expected to result in loss of function by premature protein truncation or nonsense-mediated mRNA decay. As such, this alteration is interpreted as a disease-causing mutation.

Baylor Genetics
Classification: Likely pathogenic for Juvenile myelomonocytic leukemia. Last evaluated: 2023-07-14. Review status: criteria provided, single submitter. Criteria: ACMG Guidelines, 2015. Collection method: clinical testing. Allele origin: unknown.

Labcorp Genetics (formerly Invitae), Labcorp
Classification: Pathogenic for Neurofibromatosis, type 1. Last evaluated: 2022-05-08. Review status: criteria provided, single submitter. Criteria: Invitae Variant Classification Sherloc (09022015). Collection method: clinical testing. Allele origin: germline.
Comment: This sequence change creates a premature translational stop signal (p.Ala1228Profs*12) in the NF1 gene. It is expected to result in an absent or disrupted protein product. Loss-of-function variants in NF1 are known to be pathogenic (PMID: 10712197, 23913538). For these reasons, this variant has been classified as Pathogenic. This variant has not been reported in the literature in individuals affected with NF1-related conditions. This variant is not present in population databases (gnomAD no frequency).

Literature cited by the submitters: PubMed 10712197 (cited by Labcorp Genetics (formerly Invitae), Labcorp); PubMed 23913538 (cited by Labcorp Genetics (formerly Invitae), Labcorp).

NM_001042492.3(NF1):c.3682del (p.Ala1228fs)

Gene: NF1 (neurofibromin 1; plus strand). Cytogenetic location: 17q11.2.
Variant type: Deletion.
Coding change: c.3682del on transcript NM_001042492.3 (MANE Select); coding-DNA position 3682, one base deleted (G; older notation c.3682delG).
Protein change: p.Ala1228fs; shifts the reading frame from alanine 1228.
Molecular consequence: frameshift variant.
Genome position (GRCh38, 1-based): chr17:31,233,187, G deleted; the last of 2 consecutive G bases (chr17:31,233,186-31,233,187); deleting either gives the same sequence. VCF-style (leftmost placement, unchanged base first): chr17-31233185-TG-T. GRCh37 (hg19) VCF-style: chr17-29560203-TG-T.
Other names: c.3682delG (NM_000267.3); c.3682delG, p.Ala1228Profs (NM_000267.4); short protein forms A1228fs.
Identifiers: ClinVar variation 2135315 (VCV002135315.6), dbSNP rs2508240878, ClinGen allele CA2580093093.
Genomic context (GRCh38, chr17:31,233,185, plus strand): 5'-GATTGGTGGAACTGGTCACAATGATGGGTGATCAAGGAGAACTCCCTATAGCGATGGCTC[TG>T]GCCAATGTGGTTCCTTGTTCTCAGTGGGTAAGTGATTAGAGTAAGCGGGGAAGAAAAGTG-3'